The following is an entry in ClinVar:

ClinVar aggregate classification (germline): Pathogenic (1 of 4 stars; one submission).

Conditions:
Macrocephaly-developmental delay syndrome (MRT41). Also called: INTELLECTUAL DEVELOPMENTAL DISORDER, AUTOSOMAL RECESSIVE 41. Identifiers: Orphanet 397612, MedGen C3810225, MONDO:0014289, OMIM 615637.

Submission:

Broad Center for Mendelian Genomics, Broad Institute of MIT and Harvard
Classification: Pathogenic for Macrocephaly-developmental delay syndrome. Last evaluated: 2026-03-02. Review status: criteria provided, single submitter. Criteria: ACMG Guidelines, 2015. Collection method: research. Allele origin: germline. Inheritance: Autosomal recessive inheritance.
Comment: The homozygous c.394+1G>T variant in KPTN was identified in 2 sibings with features of autosomal recessive intellectual developmental disorder-41 via a collaborative study between the Broad Institute's Center for Mendelian Genomics and the NeuroDev Study. The c.394+1G>T variant in KPTN has not been previously reported in the literature in individuals with autosomal recessive intellectual developmental disorder-41 and was absent from large population studies. This variant is located in the 3' splice region. Computational tools predict a splicing impact, though this information is not predictive enough to determine pathogenicity. Loss of function of the KPTN gene is an established disease mechanism in autosomal recessive intellectual developmental disorder-41. In summary, this variant meets criteria to be classified as pathogenic for autosomal recessive macrocephaly-developmental delay syndrome. ACMG/AMP Criteria applied: PVS1, PM2_supporting, PM3_supporting (Richards 2015).

NM_007059.4(KPTN):c.394+1G>T

Gene: KPTN (kaptin, actin binding protein; minus strand). Cytogenetic location: 19q13.32.
Variant type: single nucleotide variant.
Coding change: c.394+1G>T on transcript NM_007059.4 (MANE Select); the canonical splice donor site of the intron after coding-DNA position 394, G replaced by T.
Molecular consequence: splice donor variant. On other transcripts: intron variant (1).
Genome position (GRCh38, 1-based): chr19:47,483,294, C>A on the plus strand (G>T on the coding strand, the complement: KPTN is on the minus strand). VCF-style: chr19-47483294-C-A. GRCh37 (hg19) VCF-style: chr19-47986551-C-A.
Other names: NR_111923.2:n.453+1G>T; c.227-79G>T (NM_001291296.2).
Identifiers: ClinVar variation 4819450 (VCV004819450.1).
Genomic context (GRCh38, chr19:47,483,294, plus strand): 5'-CAGGTTAGCATGGGGGACCTGCTGGGGACTCTCTCCCTCCTCCCGTCCACGCCTCACTCA[C>A]GGGCAATAGAGTCAAGGTTGTACTCAGAGCCGGGCTCGTAGTCGCAGTAAATGTTCAGGA-3'